The following is an entry in ClinVar:

NM_203447.4(DOCK8):c.3340A>G (p.Met1114Val)

Gene: DOCK8 (dedicator of cytokinesis 8; plus strand). Cytogenetic location: 9p24.3.
Variant type: single nucleotide variant.
Coding change: c.3340A>G on transcript NM_203447.4 (MANE Select); coding-DNA position 3340, A replaced by G.
Protein change: p.Met1114Val; replaces methionine 1114 with valine.
Molecular consequence: missense variant.
Genome position (GRCh38, 1-based): chr9:405,023, A>G. VCF-style: chr9-405023-A-G. GRCh37 (hg19) VCF-style: chr9-405023-A-G.
Other names: c.3040A>G, p.Met1014Val (NM_001190458.2); c.3136A>G, p.Met1046Val (NM_001193536.2); short protein forms M1014V, M1046V, M1114V.
Identifiers: ClinVar variation 1716432 (VCV001716432.3), dbSNP rs773648429, ClinGen allele CA4958645.

ClinVar aggregate classification (germline): Uncertain significance (1 of 4 stars; one submission).

Conditions:
Combined immunodeficiency due to DOCK8 deficiency (HIES2). Also called: Hyper-IgE recurrent infection syndrome, autosomal recessive; HYPER-IgE SYNDROME 2, AUTOSOMAL RECESSIVE, WITH RECURRENT INFECTIONS; HIES autosomal recessive; DOCK8 Deficiency; HYPER-IgE RECURRENT INFECTION SYNDROME 2, AUTOSOMAL RECESSIVE. Identifiers: Orphanet 217390, MedGen C4722305, MONDO:0009478, OMIM 243700.

Allele frequency attached by ClinVar (database versions not stated): gnomAD exomes below 0.00001; ExAC 0.00001.

Submission:

Labcorp Genetics (formerly Invitae), Labcorp
Classification: Uncertain significance for Combined immunodeficiency due to DOCK8 deficiency. Last evaluated: 2022-08-14. Review status: criteria provided, single submitter. Criteria: Invitae Variant Classification Sherloc (09022015). Collection method: clinical testing. Allele origin: germline.
Comment: This sequence change replaces methionine, which is neutral and non-polar, with valine, which is neutral and non-polar, at codon 1114 of the DOCK8 protein (p.Met1114Val). This variant is not present in population databases (gnomAD no frequency). This variant has not been reported in the literature in individuals affected with DOCK8-related conditions. Algorithms developed to predict the effect of missense changes on protein structure and function (SIFT, PolyPhen-2, Align-GVGD) all suggest that this variant is likely to be tolerated. In summary, the available evidence is currently insufficient to determine the role of this variant in disease. Therefore, it has been classified as a Variant of Uncertain Significance.